The following is an entry in ClinVar:

ClinVar aggregate classification (germline): Benign/Likely benign. Review status: criteria provided, multiple submitters, no conflicts (2 of 4 stars). 5 submissions from 4 submitters: Benign (2); Likely benign (3). Last evaluated 2019-12-31.

Conditions:
Sacral defect with anterior meningocele. Identifiers: MedGen C1838568, OMIM 600145.
Neural tube defect (NTD). Also called: Neural tube defects. Identifiers: Orphanet 3388, Orphanet 823, MedGen C0027794, MONDO:0018075, HP:0045005.

Allele frequency attached by ClinVar (database versions not stated): ESP Exome Variant Server 0.00054; gnomAD exomes 0.00166 and 0.00624; gnomAD 0.00443 and 0.00446; ExAC 0.00465; TOPMed 0.00544; 1000 Genomes Project 0.00599; 1000 Genomes Project 30x 0.00656.
gnomAD v4.1: 3,109 of 1,614,240 alleles (0.19%); highest among the groups gnomAD compares: Admixed American, 3.5%; 57 homozygotes.

Submissions (5):

Labcorp Genetics (formerly Invitae), Labcorp
Classification: Benign. Last evaluated: 2019-12-31. Review status: criteria provided, single submitter. Criteria: Invitae Variant Classification Sherloc (09022015). Collection method: clinical testing. Allele origin: germline.

Illumina Laboratory Services, Illumina
Classification: Likely benign for Neural tube defects, susceptibility to. Last evaluated: 2017-04-27. Review status: criteria provided, single submitter. Criteria: ICSL Variant Classification Criteria 13 December 2019. Collection method: clinical testing. Allele origin: germline.
Comment: This variant was observed as part of a predisposition screen in an ostensibly healthy population. A literature search was performed for the gene, cDNA change, and amino acid change (where applicable). Publications were found based on this search. The evidence from the literature, in combination with allele frequency data from public databases where available, was sufficient to determine this variant is unlikely to cause disease. Therefore, this variant is classified as likely benign.

Illumina Laboratory Services, Illumina
Classification: Likely benign for Sacral defect with anterior meningocele. Last evaluated: 2017-04-27. Review status: criteria provided, single submitter. Criteria: ICSL Variant Classification Criteria 13 December 2019. Collection method: clinical testing. Allele origin: germline.
Comment: This variant was observed as part of a predisposition screen in an ostensibly healthy population. A literature search was performed for the gene, cDNA change, and amino acid change (where applicable). No publications were found based on this search. Allele frequency data from public databases allowed determination this variant is unlikely to cause disease. Therefore, this variant is classified as likely benign.

Eurofins Ntd Llc (ga)
Classification: Benign. Last evaluated: 2014-04-27. Review status: criteria provided, single submitter. Criteria: EGL Classification Definitions 2015. Collection method: clinical testing. Allele origin: germline. Observed: 1 variant allele, 1 heterozygote.

Breakthrough Genomics
Classification: Likely benign. Review status: criteria provided, single submitter. Criteria: ACMG Guidelines, 2015. Collection method: not provided. Allele origin: germline. Inheritance: Autosomal dominant inheritance. Affected: yes.

Literature cited by the submitters: PubMed 19319979 (cited by Illumina Laboratory Services, Illumina); PubMed 25208524 (cited by Illumina Laboratory Services, Illumina).

NM_138959.3(VANGL1):c.435T>C (p.Cys145=)

Gene: VANGL1 (VANGL planar cell polarity protein 1; plus strand). Cytogenetic location: 1p13.1.
Variant type: single nucleotide variant.
Coding change: c.435T>C on transcript NM_138959.3 (MANE Select); coding-DNA position 435, T replaced by C.
Protein change: p.Cys145=; no amino-acid change (cysteine 145 retained).
Molecular consequence: synonymous variant.
Genome position (GRCh38, 1-based): chr1:115,663,891, T>C. VCF-style: chr1-115663891-T-C. GRCh37 (hg19) VCF-style: chr1-116206512-T-C.
Other names: c.429T>C, p.Cys143= (NM_001172411.2); c.435T>C, p.Cys145= (NM_001172412.2).
Identifiers: ClinVar variation 167817 (VCV000167817.14), dbSNP rs34768472, ClinGen allele CA180476.